The following is an entry in ClinVar:

NM_018406.7(MUC4):c.3456T>A (p.Pro1152=)

Gene: MUC4 (mucin 4, cell surface associated). Cytogenetic location: 3q29.
Variant type: single nucleotide variant.
Coding change: c.3456T>A on transcript NM_018406.7 (MANE Select); coding-DNA position 3456, T replaced by A.
Protein change: p.Pro1152=; no amino-acid change (proline 1152 retained).
Molecular consequence: synonymous variant. On other transcripts: intron variant (2).
Genome position (GRCh38, 1-based): chr3:195,788,124, A>T on the plus strand (T>A on the coding strand, the complement: MUC4 is on the minus strand). VCF-style: chr3-195788124-A-T. GRCh37 (hg19) VCF-style: chr3-195514995-A-T.
Other names: c.83-13819T>A (NM_138297.5); c.83-9669T>A (NM_004532.6).
Identifiers: ClinVar variation 4820852 (VCV004820852.4).

ClinVar aggregate classification (germline): Likely benign (1 of 4 stars; one submission).

Submission:

CeGaT Center for Human Genetics Tuebingen
Classification: Likely benign. Last evaluated: 2026-01-01. Review status: criteria provided, single submitter. Criteria: CeGaT Center For Human Genetics Tuebingen Variant Classification Criteria Version 2. Collection method: clinical testing. Allele origin: germline. Affected: yes. Observed: 1 variant allele.
Comment: MUC4: BP4, BP7